The following is an entry in ClinVar:

ClinVar aggregate classification (germline): Likely benign (1 of 4 stars; one submission).

Submission:

CeGaT Center for Human Genetics Tuebingen
Classification: Likely benign. Last evaluated: 2026-01-01. Review status: criteria provided, single submitter. Criteria: CeGaT Center For Human Genetics Tuebingen Variant Classification Criteria Version 2. Collection method: clinical testing. Allele origin: germline. Affected: yes. Observed: 1 variant allele.
Comment: OR2T8: BP4, BP7

NM_001005522.2(OR2T8):c.670C>T (p.Leu224=)

Gene: OR2T8 (olfactory receptor family 2 subfamily T member 8; plus strand). Cytogenetic location: 1q44.
Variant type: single nucleotide variant.
Coding change: c.670C>T on transcript NM_001005522.2 (MANE Select); coding-DNA position 670, C replaced by T.
Protein change: p.Leu224=; no amino-acid change (leucine 224 retained).
Molecular consequence: synonymous variant.
Genome position (GRCh38, 1-based): chr1:247,921,687, C>T. VCF-style: chr1-247921687-C-T. GRCh37 (hg19) VCF-style: chr1-248084989-C-T.
Identifiers: ClinVar variation 4821808 (VCV004821808.4).